The following is an entry in ClinVar:

NM_001211.6(BUB1B):c.2129C>T (p.Thr710Ile)

Gene: BUB1B (BUB1 mitotic checkpoint serine/threonine kinase B; plus strand). Cytogenetic location: 15q15.1.
Variant type: single nucleotide variant.
Coding change: c.2129C>T on transcript NM_001211.6 (MANE Select); coding-DNA position 2129, C replaced by T.
Protein change: p.Thr710Ile; replaces threonine 710 with isoleucine.
Molecular consequence: missense variant.
Genome position (GRCh38, 1-based): chr15:40,208,756, C>T. VCF-style: chr15-40208756-C-T. GRCh37 (hg19) VCF-style: chr15-40500957-C-T.
Other names: short protein forms T710I.
Identifiers: ClinVar variation 3221380 (VCV003221380.1), dbSNP rs2037670153, ClinGen allele CA391693888.

ClinVar aggregate classification (germline): Uncertain significance (1 of 4 stars; one submission).

Conditions:
Inborn genetic diseases. Identifiers: MedGen C0950123, MeSH D030342.

gnomAD v4.1: 1 of 1,612,654 alleles (0.000062%); highest among the groups gnomAD compares: Non-Finnish European, 0.000085%; no homozygotes.

Submission:

Ambry Genetics
Classification: Uncertain significance for Inborn genetic diseases. Last evaluated: 2024-02-16. Review status: criteria provided, single submitter. Criteria: Ambry Variant Classification Scheme 2023. Collection method: clinical testing. Allele origin: germline.
Comment: The p.T710I variant (also known as c.2129C>T), located in coding exon 16 of the BUB1B gene, results from a C to T substitution at nucleotide position 2129. The threonine at codon 710 is replaced by isoleucine, an amino acid with similar properties. This amino acid position is conserved. In addition, this alteration is predicted to be tolerated by in silico analysis. Based on the available evidence, the clinical significance of this alteration remains unclear.